The following is an entry in ClinVar:

ClinVar aggregate classification (germline): Uncertain significance (1 of 4 stars; one submission).

Conditions:
Fanconi anemia (FA). Also called: Fanconi's anemia. Identifiers: Orphanet 84, MedGen C0015625, MeSH D005199, MONDO:0019391.

Submission:

Labcorp Genetics (formerly Invitae), Labcorp
Classification: Uncertain significance for Fanconi anemia. Last evaluated: 2023-07-19. Review status: criteria provided, single submitter. Criteria: Invitae Variant Classification Sherloc (09022015). Collection method: clinical testing. Allele origin: germline.
Comment: In summary, the available evidence is currently insufficient to determine the role of this variant in disease. Therefore, it has been classified as a Variant of Uncertain Significance. Experimental studies and prediction algorithms are not available or were not evaluated, and the functional significance of this variant is currently unknown. This variant has not been reported in the literature in individuals affected with SLX4-related conditions. This variant is not present in population databases (gnomAD no frequency). This variant, c.4385_4387del, results in the deletion of 1 amino acid(s) of the SLX4 protein (p.Ala1462del), but otherwise preserves the integrity of the reading frame.

NM_032444.4(SLX4):c.4382CCG[1] (p.Ala1462del)

Gene: SLX4 (SLX4 structure-specific endonuclease subunit; minus strand). Cytogenetic location: 16p13.3.
Variant type: Microsatellite.
Coding change: c.4382CCG[1] on transcript NM_032444.4 (MANE Select); one copy of the 3-base unit CCG starting at c.4382; the reference has two copies in a row; one copy, 3 bases deleted.
Protein change: p.Ala1462del; deletes alanine 1462.
Molecular consequence: inframe deletion.
Genome position (GRCh38, 1-based): chr16:3,589,251-3,589,253, CGG deleted on the plus strand (CCG on the coding strand, the reverse complement: SLX4 is on the minus strand); deleting any 3 consecutive bases within chr16:3,589,251-3,589,257 gives the same sequence; the position shown is the placement nearest the transcript's 3' end. VCF-style (leftmost placement, unchanged base first): chr16-3589250-TCGG-T. GRCh37 (hg19) VCF-style: chr16-3639251-TCGG-T.
Other names: short protein forms A1462del.
Identifiers: ClinVar variation 2745069 (VCV002745069.3), dbSNP rs2548211054, ClinGen allele CA2697549645.
Genomic context (GRCh38, chr16:3,589,250, plus strand): 5'-GTGCAGCTTCCTCGGATGGGGGTGGTGTCCAGGAGTCCCGGGGAGCGACAGTCACGGCTG[TCGG>T]CGGCCTCGTTCATCCTGCGGCTGGGGCTGCTGGTGCTCAGGGGGCCGGTCCGCTCCAGGT-3'